The following is an entry in ClinVar:

NM_006270.5(RRAS):c.491A>T (p.His164Leu)

Gene: RRAS (RAS related; minus strand). Cytogenetic location: 19q13.33.
Variant type: single nucleotide variant.
Coding change: c.491A>T on transcript NM_006270.5 (MANE Select); coding-DNA position 491, A replaced by T.
Protein change: p.His164Leu; replaces histidine 164 with leucine.
Molecular consequence: missense variant.
Genome position (GRCh38, 1-based): chr19:49,635,815, T>A on the plus strand (A>T on the coding strand, the complement: RRAS is on the minus strand). VCF-style: chr19-49635815-T-A. GRCh37 (hg19) VCF-style: chr19-50139072-T-A.
Other names: short protein forms H164L.
Identifiers: ClinVar variation 3225524 (VCV003225524.1), dbSNP rs1599813157, ClinGen allele CA406845864.

ClinVar aggregate classification (germline): Uncertain significance (1 of 4 stars; one submission).

Allele frequency attached by ClinVar (database versions not stated): gnomAD exomes below 0.00001.
gnomAD v4.1: 1 of 1,249,046 alleles (0.00008%); highest among the groups gnomAD compares: East Asian, 0.0053%; no homozygotes.

Submission:

Ambry Genetics
Classification: Uncertain significance. Last evaluated: 2023-10-26. Review status: criteria provided, single submitter. Criteria: Ambry Variant Classification Scheme 2023. Collection method: clinical testing. Allele origin: germline.
Comment: The p.H164L variant (also known as c.491A>T), located in coding exon 5 of the RRAS gene, results from an A to T substitution at nucleotide position 491. The histidine at codon 164 is replaced by leucine, an amino acid with similar properties. This amino acid position is conserved. In addition, this alteration is predicted to be tolerated by in silico analysis. Since supporting evidence is limited at this time, the clinical significance of this alteration remains unclear.